The following is an entry in ClinVar:

ClinVar aggregate classification (germline): Uncertain significance (1 of 4 stars; one submission).

Submission:

Women's Health and Genetics/Laboratory Corporation of America, LabCorp
Classification: Uncertain significance. Last evaluated: 2025-03-11. Review status: criteria provided, single submitter. Criteria: LabCorp Variant Classification Summary - May 2015. Collection method: clinical testing. Allele origin: germline.
Comment: Variant summary: COL4A2 c.2475_2501del27 (p.Pro826_Leu834del) results in an in-frame deletion that is predicted to remove 9 amino acids from the encoded protein. The variant was absent in 237682 control chromosomes. The available data on variant occurrences in the general population are insufficient to allow any conclusion about variant significance. To our knowledge, no occurrence of c.2475_2501del27 in individuals affected with Porencephaly 2 and no experimental evidence demonstrating its impact on protein function have been reported. No submitters have cited clinical-significance assessments for this variant to ClinVar. Based on the evidence outlined above, the variant was classified as uncertain significance.

NM_001846.4(COL4A2):c.2475_2501del (p.Pro826_Leu834del)

Gene: COL4A2 (collagen type IV alpha 2 chain; plus strand). Cytogenetic location: 13q34.
Variant type: Deletion.
Coding change: c.2475_2501del on transcript NM_001846.4 (MANE Select); coding-DNA positions 2475 to 2501, 27 bases deleted (CCCAGGACCTTCCGGCCAGCCAGGCCT).
Protein change: p.Pro826_Leu834del.
Genome position (GRCh38, 1-based): chr13:110,478,052-110,478,078, CCCAGGACCTTCCGGCCAGCCAGGCCT deleted; deleting any 27 consecutive bases within chr13:110,478,038-110,478,078 gives the same sequence; the c. name uses the placement nearest the transcript's 3' end. VCF-style (leftmost placement, unchanged base first): chr13-110478037-GGGCCAGCCAGGCCTCCCAGGACCTTCC-G. GRCh37 (hg19) VCF-style: chr13-111130384-GGGCCAGCCAGGCCTCCCAGGACCTTCC-G.
Other names: c.2475_2501del27 (NM_001846.4).
Identifiers: ClinVar variation 3895712 (VCV003895712.1).